The following is an entry in ClinVar:

ClinVar aggregate classification (germline): Pathogenic (1 of 4 stars; one submission).

Conditions:
Hereditary pheochromocytoma and paraganglioma. Also called: Hereditary Paraganglioma-Pheochromocytoma Syndromes; Hereditary paragangliomas and pheochromocytomas; Hereditary pheochromocytoma-paraganglioma. Identifiers: Orphanet 29072, MedGen C4274332, MONDO:0017366.

Submission:

Labcorp Genetics (formerly Invitae), Labcorp
Classification: Pathogenic for Hereditary pheochromocytoma and paraganglioma. Last evaluated: 2017-06-05. Review status: criteria provided, single submitter. Criteria: Invitae Variant Classification Sherloc (09022015). Collection method: clinical testing. Allele origin: germline.
Comment: This variant is a gross deletion of the genomic region encompassing exons 1-3 of the MAX gene, which includes the initiator codon. The 5' end of this event is unknown as it extends beyond the assayed region for this gene and therefore may encompass additional genes. The 3' boundary is likely confined to intron 2 of the MAX gene. This is expected to result in an absent or disrupted protein product. This variant has not been reported in the literature in individuals with a MAX-related disease. Loss-of-function variants in MAX are known to be pathogenic (PMID: 21685915, 26070438). For these reasons, this variant has been classified as Pathogenic.

NC_000014.9:g.(?_65093702)_(65102345_?)del

Genes: MAX (MYC associated transcriptional regulator X; minus strand), MAX-AS1 (MAX antisense RNA 1; plus strand), LOC130055850 (ATAC-STARR-seq lymphoblastoid silent region 5847; plus strand). Cytogenetic location: 14q23.3.
Variant type: Deletion.
Identifiers: ClinVar variation 463802 (VCV000463802.1).